The following is an entry in ClinVar:

ClinVar aggregate classification (germline): Uncertain significance (1 of 4 stars; one submission).

Conditions:
Hereditary cancer-predisposing syndrome. Also called: Neoplastic Syndromes, Hereditary; Tumor predisposition; Hereditary neoplastic syndrome; Hereditary Cancer Syndrome. Identifiers: Orphanet 140162, MedGen C0027672, MeSH D009386, MONDO:0015356.

Submission:

Ambry Genetics
Classification: Uncertain significance for Hereditary cancer-predisposing syndrome. Last evaluated: 2025-04-14. Review status: criteria provided, single submitter. Criteria: Ambry Variant Classification Scheme 2023. Collection method: clinical testing. Allele origin: germline.
Comment: The c.851delC variant, located in coding exon 2 of the HOXB13 gene, results from a deletion of one nucleotide at nucleotide position 851, causing a translational frameshift with a predicted alternate stop codon (p.P284Lfs*98). This alteration occurs at the 3' terminus of theHOXB13 gene, is not expected to trigger nonsense-mediated mRNAdecay and results in the elongation of the protein by 96 amino acids. This frameshift impacts the last amino acid of the native protein. Based on the available evidence, the clinical significance of this alteration remains unclear.

NM_006361.6(HOXB13):c.851del (p.Pro284fs)

Gene: HOXB13 (homeobox B13; minus strand). Cytogenetic location: 17q21.32.
Variant type: Deletion.
Coding change: c.851del on transcript NM_006361.6 (MANE Select); coding-DNA position 851, one base deleted (C; older notation c.851delC).
Protein change: p.Pro284fs; shifts the reading frame from proline 284.
Molecular consequence: frameshift variant.
Genome position (GRCh38, 1-based): chr17:48,726,794, G deleted on the plus strand (C on the coding strand, the reverse complement: HOXB13 is on the minus strand); the first of 4 consecutive G bases (chr17:48,726,794-48,726,797); deleting any one gives the same sequence. VCF-style (leftmost placement, unchanged base first): chr17-48726793-AG-A. GRCh37 (hg19) VCF-style: chr17-46804155-AG-A.
Other names: c.851delC (NM_006361.5); short protein forms P284fs.
Identifiers: ClinVar variation 4035949 (VCV004035949.1).